The following is an entry in ClinVar:

NM_000147.5(FUCA1):c.1119A>G (p.Lys373=)

Gene: FUCA1 (alpha-L-fucosidase 1; minus strand). Cytogenetic location: 1p36.11.
Variant type: single nucleotide variant.
Coding change: c.1119A>G on transcript NM_000147.5 (MANE Select); coding-DNA position 1119, A replaced by G.
Protein change: p.Lys373=; no amino-acid change (lysine 373 retained).
Molecular consequence: synonymous variant.
Genome position (GRCh38, 1-based): chr1:23,848,690, T>C on the plus strand (A>G on the coding strand, the complement: FUCA1 is on the minus strand). VCF-style: chr1-23848690-T-C. GRCh37 (hg19) VCF-style: chr1-24175180-T-C.
Identifiers: ClinVar variation 707341 (VCV000707341.50), dbSNP rs370453371, ClinGen allele CA686359.

ClinVar aggregate classification (germline): Conflicting classifications of pathogenicity. Review status: criteria provided, conflicting classifications (1 of 4 stars). 6 submissions from 6 submitters: Uncertain significance (1); Likely benign (4). 1 of the submissions does not count toward it. Last evaluated 2026-06-01.

Conditions:
FUCA1-related disorder. Also called: FUCA1-related condition.
Fucosidosis. Also called: ALPHA-L-FUCOSIDASE DEFICIENCY. Identifiers: Orphanet 349, MedGen C0016788, MONDO:0009254, OMIM 230000.

Allele frequency attached by ClinVar (database versions not stated): gnomAD exomes 0.00037 and 0.00044; ExAC 0.00041; TOPMed 0.00043; gnomAD 0.00044 and 0.00047; ESP Exome Variant Server 0.00054.
gnomAD v4.1: 693 of 1,614,048 alleles (0.043%); highest among the groups gnomAD compares: Non-Finnish European, 0.056%; 2 homozygotes.

Submissions (6):

CeGaT Center for Human Genetics Tuebingen
Classification: Likely benign. Last evaluated: 2026-06-01. Review status: criteria provided, single submitter. Criteria: CeGaT Center For Human Genetics Tuebingen Variant Classification Criteria Version 2. Collection method: clinical testing. Allele origin: germline. Affected: yes. Observed: 5 variant alleles.
Comment: FUCA1: BP4, BP7

Labcorp Genetics (formerly Invitae), Labcorp
Classification: Likely benign for Fucosidosis. Last evaluated: 2026-02-04. Review status: criteria provided, single submitter. Criteria: Invitae Variant Classification Sherloc (09022015). Collection method: clinical testing. Allele origin: germline.

Laboratory of Genetics, Children's Clinical University Hospital Latvia
Classification: Likely benign. Last evaluated: 2025-02-16. Review status: criteria provided, single submitter. Criteria: ACMG Guidelines, 2015. Collection method: clinical testing. Allele origin: germline. Affected: yes.

Blueprint Genetics
Classification: Likely benign. Last evaluated: 2024-11-15. Review status: criteria provided, single submitter. Criteria: ACMG Guidelines, 2015. Collection method: clinical testing. Allele origin: germline.

Illumina Laboratory Services, Illumina
Classification: Uncertain significance for Fucosidosis. Last evaluated: 2018-01-13. Review status: criteria provided, single submitter. Criteria: ICSL Variant Classification Criteria 13 December 2019. Collection method: clinical testing. Allele origin: germline.

PreventionGenetics, part of Exact Sciences
Classification: Likely benign for FUCA1-related condition. Last evaluated: 2019-05-16. Review status: no assertion criteria provided. Collection method: clinical testing. Allele origin: germline. Not counted in ClinVar's aggregate classification.
Comment: This variant is classified as likely benign based on ACMG/AMP sequence variant interpretation guidelines (Richards et al. 2015 PMID: 25741868, with internal and published modifications).